The following is an entry in ClinVar:

NM_022041.4(GAN):c.787C>A (p.Leu263Met)

Gene: GAN (gigaxonin; plus strand). Cytogenetic location: 16q23.2.
Variant type: single nucleotide variant.
Coding change: c.787C>A on transcript NM_022041.4 (MANE Select); coding-DNA position 787, C replaced by A.
Protein change: p.Leu263Met; replaces leucine 263 with methionine.
Molecular consequence: missense variant.
Genome position (GRCh38, 1-based): chr16:81,356,938, C>A. VCF-style: chr16-81356938-C-A. GRCh37 (hg19) VCF-style: chr16-81390543-C-A.
Other names: c.148C>A, p.Leu50Met (NM_001377486.1); short protein forms L263M, L50M.
Identifiers: ClinVar variation 1415327 (VCV001415327.5), dbSNP rs777669477, ClinGen allele CA396871962.
Genomic context (GRCh38, chr16:81,356,938, plus strand): 5'-GAAATTGTCAAAGAGTGTAGCAATATACCGCTCAGCCAGCCGCAGCAAGGGGAGGCGATG[C>A]TGGCCAACTTCAAACCCCGGGGCTACTCTGAGTGCATCGTGACTGTTGGTGGAGAAGAGA-3'
Protein context (NP_071324.1, residues 253-273): LSQPQQGEAM[Leu263Met]ANFKPRGYSE

ClinVar aggregate classification (germline): Uncertain significance (1 of 4 stars; one submission).

Conditions:
Giant axonal neuropathy 1 (GAN1). Also called: GIANT AXONAL NEUROPATHY 1, AUTOSOMAL RECESSIVE; GAN-Related Neurodegeneration. Identifiers: Orphanet 643, MedGen C1850386, MONDO:0009749, OMIM 256850.

Allele frequency attached by ClinVar (database versions not stated): TOPMed below 0.00001; gnomAD 0.00001; gnomAD exomes 0.00001.
gnomAD v4.1: 5 of 1,613,662 alleles (0.00031%); highest among the groups gnomAD compares: Non-Finnish European, 0.00042%; no homozygotes.

Submission:

Labcorp Genetics (formerly Invitae), Labcorp
Classification: Uncertain significance for Giant axonal neuropathy 1. Last evaluated: 2021-08-27. Review status: criteria provided, single submitter. Criteria: Invitae Variant Classification Sherloc (09022015). Collection method: clinical testing. Allele origin: germline.
Comment: This sequence change replaces leucine with methionine at codon 263 of the GAN protein (p.Leu263Met). The leucine residue is highly conserved and there is a small physicochemical difference between leucine and methionine. This variant is not present in population databases (ExAC no frequency). This variant has not been reported in the literature in individuals affected with GAN-related conditions. Algorithms developed to predict the effect of missense changes on protein structure and function (SIFT, PolyPhen-2, Align-GVGD) all suggest that this variant is likely to be tolerated. In summary, the available evidence is currently insufficient to determine the role of this variant in disease. Therefore, it has been classified as a Variant of Uncertain Significance.